The following is an entry in ClinVar:

NM_001376.5(DYNC1H1):c.1441G>A (p.Val481Ile)

Gene: DYNC1H1 (dynein cytoplasmic 1 heavy chain 1; plus strand). Cytogenetic location: 14q32.31.
Variant type: single nucleotide variant.
Coding change: c.1441G>A on transcript NM_001376.5 (MANE Select); coding-DNA position 1441, G replaced by A.
Protein change: p.Val481Ile; replaces valine 481 with isoleucine.
Molecular consequence: missense variant.
Genome position (GRCh38, 1-based): chr14:101,983,589, G>A. VCF-style: chr14-101983589-G-A. GRCh37 (hg19) VCF-style: chr14-102449926-G-A.
Other names: short protein forms V481I.
Identifiers: ClinVar variation 1015867 (VCV001015867.8), dbSNP rs770305875, ClinGen allele CA391016287.

ClinVar aggregate classification (germline): Uncertain significance (1 of 4 stars; one submission).

Conditions:
Charcot-Marie-Tooth disease axonal type 2O. Also called: Charcot-Marie-Tooth Neuropathy Type 2O; Charcot-Marie-Tooth disease, axonal, type 20; CHARCOT-MARIE-TOOTH NEUROPATHY, AXONAL, TYPE 2O; CHARCOT-MARIE-TOOTH DISEASE, AXONAL, AUTOSOMAL DOMINANT, TYPE 2O. Identifiers: Orphanet 284232, MedGen C3280220, MONDO:0013644, OMIM 614228.

Submission:

Labcorp Genetics (formerly Invitae), Labcorp
Classification: Uncertain significance for Charcot-Marie-Tooth disease axonal type 2O. Last evaluated: 2017-09-20. Review status: criteria provided, single submitter. Criteria: Invitae Variant Classification Sherloc (09022015). Collection method: clinical testing. Allele origin: germline.
Comment: Algorithms developed to predict the effect of missense changes on protein structure and function (SIFT, PolyPhen-2, Align-GVGD) all suggest that this variant is likely to be tolerated, but these predictions have not been confirmed by published functional studies and their clinical significance is uncertain. In summary, the available evidence is currently insufficient to determine the role of this variant in disease. Therefore, it has been classified as a Variant of Uncertain Significance. This variant has not been reported in the literature in individuals with DYNC1H1-related disease. This variant is not present in population databases (ExAC no frequency). This sequence change replaces valine with isoleucine at codon 481 of the DYNC1H1 protein (p.Val481Ile). The valine residue is moderately conserved and there is a small physicochemical difference between valine and isoleucine.